The following is an entry in ClinVar:

ClinVar aggregate classification (germline): Likely pathogenic (1 of 4 stars; one submission).

Conditions:
Familial adenomatous polyposis 1 (FAP1). Also called: FAMILIAL ADENOMATOUS POLYPOSIS 1, ATTENUATED; POLYPOSIS, ADENOMATOUS INTESTINAL. Identifiers: MedGen C2713442, MONDO:0021056, OMIM 175100. Disease mechanism: loss of function.

Submission:

Myriad Genetics, Inc.
Classification: Likely pathogenic for Familial adenomatous polyposis 1. Last evaluated: 2026-02-25. Review status: criteria provided, single submitter. Criteria: Myriad Autosomal Dominant, Autosomal Recessive and X-Linked Classification Criteria (2023). Collection method: clinical testing. Allele origin: unknown.
Comment: This variant is considered likely pathogenic. mRNA analysis has demonstrated abnormal mRNA splicing occurs [PMID: 8125478]. This variant has shown to segregate with cancer in one or more families [PMID: 8125478].

Literature cited by the submitters: PubMed 8125478.

NM_000038.6(APC):c.1312+5G>T

Gene: APC (APC regulator of Wnt signaling pathway; plus strand). Cytogenetic location: 5q22.2.
Variant type: single nucleotide variant.
Coding change: c.1312+5G>T on transcript NM_000038.6 (MANE Select); 5 bases into the intron after coding-DNA position 1312, G replaced by T.
Molecular consequence: intron variant.
Genome position (GRCh38, 1-based): chr5:112,819,349, G>T. VCF-style: chr5-112819349-G-T. GRCh37 (hg19) VCF-style: chr5-112155046-G-T.
Other names: c.463+5G>T (NM_001407470.1, NM_001354906.2); c.160+5G>T (NM_001407472.1, NM_001407471.1); c.1312+5G>T (NM_001407447.1, NM_001354895.2, NM_001407448.1 and 4 more transcripts); c.1009+5G>T (NM_001407456.1, NM_001407460.1, NM_001407457.1 and 5 more transcripts); c.1228+5G>T (NM_001407452.1, NM_001354899.2); c.925+5G>T (NM_001407469.1, NM_001407467.1); c.1342+5G>T (NM_001407446.1, NM_001354897.2); c.1039+5G>T (NM_001354902.2); and 5 more.
Identifiers: ClinVar variation 4856704 (VCV004856704.1).